The following is an entry in ClinVar:

ClinVar aggregate classification (germline): Uncertain significance. Review status: criteria provided, multiple submitters, no conflicts (2 of 4 stars). 2 submissions from 2 submitters: Uncertain significance (2). Last evaluated 2024-12-03.

Conditions:
LAGE3-related disorder. Also called: LAGE3-related condition.

Allele frequency attached by ClinVar (database versions not stated): ExAC 0.00004.
gnomAD v4.1: 4 of 1,129,845 alleles (0.00035%); highest among the groups gnomAD compares: Non-Finnish European, 0.00046%; no homozygotes.

Submissions (2):

Ambry Genetics
Classification: Uncertain significance. Last evaluated: 2024-12-03. Review status: criteria provided, single submitter. Criteria: Ambry Variant Classification Scheme 2023. Collection method: clinical testing. Allele origin: germline.

PreventionGenetics, part of Exact Sciences
Classification: Uncertain significance for LAGE3-related condition. Last evaluated: 2022-12-07. Review status: criteria provided, single submitter. Criteria: ACMG Guidelines, 2015. Collection method: clinical testing. Allele origin: germline.
Comment: The LAGE3 c.109G>A variant is predicted to result in the amino acid substitution p.Ala37Thr. To our knowledge, this variant has not been reported in the literature. This variant is reported in 2 of ~81,000 alleles in gnomAD: However, the quality of data at this position is questionable and should be treated with caution. At this time, the clinical significance of this variant is uncertain due to the absence of conclusive functional and genetic evidence.

NM_006014.5(LAGE3):c.109G>A (p.Ala37Thr)

Genes: LAGE3 (L antigen family member 3; minus strand), LOC130068876 (ATAC-STARR-seq lymphoblastoid silent region 21109; plus strand). Cytogenetic location: Xq28.
Variant type: single nucleotide variant.
Coding change: c.109G>A on transcript NM_006014.5 (MANE Select); coding-DNA position 109, G replaced by A.
Protein change: p.Ala37Thr; replaces alanine 37 with threonine.
Molecular consequence: missense variant.
Genome position (GRCh38, 1-based): chrX:154,478,807, C>T on the plus strand (G>A on the coding strand, the complement: LAGE3 is on the minus strand). VCF-style: chrX-154478807-C-T. GRCh37 (hg19) VCF-style: chrX-153707146-C-T.
Other names: c.109G>A (NM_006014.3); short protein forms A37T.
Identifiers: ClinVar variation 2629511 (VCV002629511.2), dbSNP rs782228821, ClinGen allele CA10565283.